The following is an entry in ClinVar:

NM_177398.4(LMX1A):c.622C>T (p.Arg208Ter)

Gene: LMX1A (LIM homeobox transcription factor 1 alpha; minus strand). Cytogenetic location: 1q23.3.
Variant type: single nucleotide variant.
Coding change: c.622C>T on transcript NM_177398.4 (MANE Select); coding-DNA position 622, C replaced by T.
Protein change: p.Arg208Ter; replaces arginine 208 with a stop codon.
Molecular consequence: nonsense.
Genome position (GRCh38, 1-based): chr1:165,213,688, G>A on the plus strand (C>T on the coding strand, the complement: LMX1A is on the minus strand). VCF-style: chr1-165213688-G-A. GRCh37 (hg19) VCF-style: chr1-165182925-G-A.
Other names: c.622C>T, p.Arg208Ter (NM_001174069.2); c.622C>T (NM_001174069.1); short protein forms R208*.
Identifiers: ClinVar variation 1723178 (VCV001723178.3), dbSNP rs1396081975, ClinGen allele CA343476775.

ClinVar aggregate classification (germline): Pathogenic/Likely pathogenic. Review status: criteria provided, multiple submitters, no conflicts (2 of 4 stars). 2 submissions from 2 submitters: Pathogenic (1); Likely pathogenic (1). Last evaluated 2026-07-14.

Conditions:
Autosomal dominant nonsyndromic hearing loss 7. Also called: Deafness, autosomal dominant 7. Identifiers: Orphanet 90635, MedGen C1832379, MONDO:0011074, OMIM 601412.
LMX1A-related disorder. Also called: LMX1A-related condition.

Allele frequency attached by ClinVar (database versions not stated): gnomAD exomes below 0.00001; TOPMed below 0.00001.
gnomAD v4.1: 2 of 1,614,166 alleles (0.00012%); highest among the groups gnomAD compares: Non-Finnish European, 0.00017%; no homozygotes.

Submissions (2):

PreventionGenetics, part of Exact Sciences
Classification: Likely pathogenic for LMX1A-related condition. Last evaluated: 2026-07-14. Review status: criteria provided, single submitter. Criteria: ACMG Guidelines, 2015. Collection method: clinical testing. Allele origin: germline.
Comment: The LMX1A c.622C>T variant is predicted to result in premature protein termination (p.Arg208*). This variant was reported in the heterozygous state in three individuals with hearing loss across three generations of a single family, and an in vitro assay found this variant results in reduced transactivation ability (Lee et al. 2022. PubMed ID: 35711095). This variant has not been reported in a large population database (gnomAD), indicating this variant is rare. Nonsense variants in LMX1A are expected to be pathogenic. This variant is interpreted as likely pathogenic.

Institute of Human Genetics, University of Goettingen
Classification: Pathogenic for Autosomal dominant nonsyndromic hearing loss 7. Last evaluated: 2022-11-10. Review status: criteria provided, single submitter. Criteria: ACMG Guidelines, 2015. Collection method: clinical testing. Allele origin: unknown. Inheritance: Autosomal dominant inheritance. Affected: yes. Observed: 1 heterozygote.
Comment: The variant c.622C>T (p.(Arg208*)) in exon 5 of the LMX1A gene is not found in the gnomAD database and the reading frame is interrupted by a premature STOP codon at position 208. This variant was reported in literature as causative for non-syndromic hearing loss with functional studies supportive of a damaging effect on the gene product (PMID: 36140227 & 35711095). ACMG criteria used for classification: PVS1, PS3, PM2, PP5.

Literature cited by the submitters: PubMed 35711095 (cited by Institute of Human Genetics, University of Goettingen); PubMed 36140227 (cited by Institute of Human Genetics, University of Goettingen).